The following is an entry in ClinVar:

NM_001605.3(AARS1):c.480-12C>G

Gene: AARS1 (alanyl-tRNA synthetase 1; minus strand). Cytogenetic location: 16q22.1.
Variant type: single nucleotide variant.
Coding change: c.480-12C>G on transcript NM_001605.3 (MANE Select); 12 bases into the intron before coding-DNA position 480, C replaced by G.
Molecular consequence: intron variant.
Genome position (GRCh38, 1-based): chr16:70,271,984, G>C on the plus strand (C>G on the coding strand, the complement: AARS1 is on the minus strand). VCF-style: chr16-70271984-G-C. GRCh37 (hg19) VCF-style: chr16-70305887-G-C.
Identifiers: ClinVar variation 385665 (VCV000385665.9), dbSNP rs199728312, ClinGen allele CA8141121.

ClinVar aggregate classification (germline): Conflicting classifications of pathogenicity. Review status: criteria provided, conflicting classifications (1 of 4 stars). 2 submissions from 2 submitters: Uncertain significance (1); Likely benign (1). Last evaluated 2025-07-23.

Conditions:
Charcot-Marie-Tooth disease type 2. Also called: Charcot-Marie-Tooth type 2. Identifiers: Orphanet 64746, MedGen C0270914, MONDO:0018993.

Allele frequency attached by ClinVar (database versions not stated): ExAC 0.00001; TOPMed 0.00032; gnomAD 0.00002 and 0.00024; gnomAD exomes 0.00002; ESP Exome Variant Server 0.00008.
gnomAD v4.1: 51 of 1,613,010 alleles (0.0032%); highest among the groups gnomAD compares: Non-Finnish European, 0.00034%; no homozygotes.

Submissions (2):

Labcorp Genetics (formerly Invitae), Labcorp
Classification: Uncertain significance for Charcot-Marie-Tooth disease type 2. Last evaluated: 2025-07-23. Review status: criteria provided, single submitter. Criteria: Invitae Variant Classification Sherloc (09022015). Collection method: clinical testing. Allele origin: germline.
Comment: This sequence change falls in intron 4 of the AARS gene. It does not directly change the encoded amino acid sequence of the AARS protein. This variant is present in population databases (rs199728312, gnomAD 0.03%). This variant has not been reported in the literature in individuals affected with AARS-related conditions. ClinVar contains an entry for this variant (Variation ID: 385665). Algorithms developed to predict the effect of sequence changes on RNA splicing suggest that this variant may disrupt the consensus splice site. In summary, the available evidence is currently insufficient to determine the role of this variant in disease. Therefore, it has been classified as a Variant of Uncertain Significance.

GeneDx
Classification: Likely benign. Last evaluated: 2018-07-13. Review status: criteria provided, single submitter. Criteria: GeneDx Variant Classification Process June 2021. Collection method: clinical testing. Allele origin: germline. Affected: yes.